The following is an entry in ClinVar:

ClinVar aggregate classification (germline): Uncertain significance (1 of 4 stars; one submission).

Submission:

Greenwood Genetic Center Diagnostic Laboratories, Greenwood Genetic Center
Classification: Uncertain significance. Last evaluated: 2025-03-05. Review status: criteria provided, single submitter. Criteria: ACMG Guidelines, 2015. Collection method: clinical testing. Allele origin: germline.
Comment: PM2

NM_014370.4(SRPK3):c.179A>G (p.Asp60Gly)

Gene: SRPK3 (SRSF protein kinase 3; plus strand). Cytogenetic location: Xq28.
Variant type: single nucleotide variant.
Coding change: c.179A>G on transcript NM_014370.4 (MANE Select); coding-DNA position 179, A replaced by G.
Protein change: p.Asp60Gly; replaces aspartic acid 60 with glycine.
Molecular consequence: missense variant.
Genome position (GRCh38, 1-based): chrX:153,781,335, A>G. VCF-style: chrX-153781335-A-G. GRCh37 (hg19) VCF-style: chrX-153046790-A-G.
Other names: c.179A>G, p.Asp60Gly (NM_001170760.2, NM_001170761.2); short protein forms D60G.
Identifiers: ClinVar variation 4851713 (VCV004851713.1).